The following is an entry in ClinVar:

ClinVar aggregate classification (germline): Benign/Likely benign. Review status: criteria provided, multiple submitters, no conflicts (2 of 4 stars). 3 submissions from 3 submitters: Benign (1); Likely benign (2). Last evaluated 2024-12-01.

Conditions:
Occult macular dystrophy (OCMD). Also called: OMD; OCCULT MACULAR DYSTROPHY, SUSCEPTIBILITY TO. Identifiers: Orphanet 247834, MedGen C3150833, MONDO:0013316, OMIM 613587, HP:0030636.

Allele frequency attached by ClinVar (database versions not stated): ExAC 0.00017; gnomAD 0.00023 and 0.00027; TOPMed 0.00029.
gnomAD v4.1: 332 of 1,610,846 alleles (0.021%); highest among the groups gnomAD compares: Middle Eastern, 1%; 3 homozygotes.

Submissions (3):

CeGaT Center for Human Genetics Tuebingen
Classification: Likely benign. Last evaluated: 2024-12-01. Review status: criteria provided, single submitter. Criteria: CeGaT Center For Human Genetics Tuebingen Variant Classification Criteria Version 2. Collection method: clinical testing. Allele origin: germline. Affected: yes. Observed: 1 variant allele.
Comment: RP1L1: BP4, BP7

Blueprint Genetics
Classification: Likely benign. Last evaluated: 2024-11-26. Review status: criteria provided, single submitter. Criteria: ACMG Guidelines, 2015. Collection method: clinical testing. Allele origin: germline.

Illumina Laboratory Services, Illumina
Classification: Benign for Occult macular dystrophy. Last evaluated: 2018-01-13. Review status: criteria provided, single submitter. Criteria: ICSL Variant Classification Criteria 13 December 2019. Collection method: clinical testing. Allele origin: germline.
Comment: This variant was observed in the ICSL laboratory as part of a predisposition screen in an ostensibly healthy population. It had not been previously curated by ICSL or reported in the Human Gene Mutation Database (HGMD: prior to June 1st, 2018), and was therefore a candidate for classification through an automated scoring system. Utilizing variant allele frequency, disease prevalence and penetrance estimates, and inheritance mode, an automated score was calculated to assess if this variant is too frequent to cause the disease. Based on the score and internal cut-off values, a variant classified as benign is not then subjected to further curation. The score for this variant resulted in a classification of benign for this disease.

NM_178857.6(RP1L1):c.5793C>T (p.Asp1931=)

Gene: RP1L1 (RP1 like 1). Cytogenetic location: 8p23.1.
Variant type: single nucleotide variant.
Coding change: c.5793C>T on transcript NM_178857.6 (MANE Select); coding-DNA position 5793, C replaced by T.
Protein change: p.Asp1931=; no amino-acid change (aspartic acid 1931 retained).
Molecular consequence: synonymous variant.
Genome position (GRCh38, 1-based): chr8:10,608,305, G>A on the plus strand (C>T on the coding strand, the complement: RP1L1 is on the minus strand). VCF-style: chr8-10608305-G-A. GRCh37 (hg19) VCF-style: chr8-10465815-G-A.
Identifiers: ClinVar variation 361239 (VCV000361239.19), dbSNP rs747180512, ClinGen allele CA4623532.
Genomic context (GRCh38, chr8:10,608,305, plus strand): 5'-TTCTGCCTCCTGGGCCGCCTCTTCTGCCTCTTGGGCCTCTGCACCTTCTGACTCTGGCTC[G>A]TCCTCCCCTTCAGTCTCCAGGGCCTCTACACTTTCTGTCTCTGGCTGGGCCTCCTTTTCT-3'
Protein context (NP_849188.4, residues 1921-1941): SVEALETEGE[Asp1931=]EPESEGAEAQ